The following is an entry in ClinVar:

NM_006231.4(POLE):c.4946T>A (p.Met1649Lys)

Gene: POLE (DNA polymerase epsilon, catalytic subunit; minus strand). Cytogenetic location: 12q24.33.
Variant type: single nucleotide variant.
Coding change: c.4946T>A on transcript NM_006231.4 (MANE Select); coding-DNA position 4946, T replaced by A.
Protein change: p.Met1649Lys; replaces methionine 1649 with lysine.
Molecular consequence: missense variant.
Genome position (GRCh38, 1-based): chr12:132,642,512, A>T on the plus strand (T>A on the coding strand, the complement: POLE is on the minus strand). VCF-style: chr12-132642512-A-T. GRCh37 (hg19) VCF-style: chr12-133219098-A-T.
Other names: short protein forms M1649K.
Identifiers: ClinVar variation 1467091 (VCV001467091.8), dbSNP rs2138533391, ClinGen allele CA387377828.
Genomic context (GRCh38, chr12:132,642,512, plus strand): 5'-CGAGGCCGGCTCTGCCTGGGGACCACTGGCCCACAACGACAGTACTGTGCTCACCTGCTC[A>T]TCTCGAAGGCCTGCGACAGGCAGGTGTCCAGGTTGAGGTAGTGACGGATCATGCGCCGGG-3'
Protein context (NP_006222.2, residues 1639-1659): LDTCLSQAFE[Met1649Lys]SRYFHIPIGN

ClinVar aggregate classification (germline): Uncertain significance (1 of 4 stars; one submission).

Submission:

Labcorp Genetics (formerly Invitae), Labcorp
Classification: Uncertain significance. Last evaluated: 2026-02-01. Review status: criteria provided, single submitter. Criteria: Invitae Variant Classification Sherloc (09022015). Collection method: clinical testing. Allele origin: germline.
Comment: This sequence change replaces methionine, which is neutral and non-polar, with lysine, which is basic and polar, at codon 1649 of the POLE protein (p.Met1649Lys). This variant is not present in population databases (gnomAD no frequency). This variant has not been reported in the literature in individuals affected with POLE-related conditions. ClinVar contains an entry for this variant (Variation ID: 1467091). Invitae Evidence Modeling of protein sequence and biophysical properties (such as structural, functional, and spatial information, amino acid conservation, physicochemical variation, residue mobility, and thermodynamic stability) indicates that this missense variant is not expected to disrupt POLE protein function with a negative predictive value of 80%. In summary, the available evidence is currently insufficient to determine the role of this variant in disease. Therefore, it has been classified as a Variant of Uncertain Significance.